The following is an entry in ClinVar:

ClinVar aggregate classification (germline): Uncertain significance (1 of 4 stars; one submission).

Conditions:
Ataxia-telangiectasia syndrome (AT). Also called: LOUIS-BAR SYNDROME; Cerebello-oculocutaneous telangiectasia; Immunodeficiency with ataxia telangiectasia; Ataxia telangiectasia (A-T); Ataxia-telangiectasia, complementation group D; AT, COMPLEMENTATION GROUP C. Identifiers: Orphanet 100, MedGen C0004135, MONDO:0008840, OMIM 208900.

Submission:

Labcorp Genetics (formerly Invitae), Labcorp
Classification: Uncertain significance for Ataxia-telangiectasia syndrome. Last evaluated: 2024-05-09. Review status: criteria provided, single submitter. Criteria: Invitae Variant Classification Sherloc (09022015). Collection method: clinical testing. Allele origin: germline.
Comment: This sequence change replaces alanine, which is neutral and non-polar, with threonine, which is neutral and polar, at codon 2386 of the ATM protein (p.Ala2386Thr). This variant is not present in population databases (gnomAD no frequency). This variant has not been reported in the literature in individuals affected with ATM-related conditions. An algorithm developed to predict the effect of missense changes on protein structure and function (PolyPhen-2) suggests that this variant is likely to be disruptive. This variant disrupts the p.Ala2386 amino acid residue in ATM. Other variant(s) that disrupt this residue have been determined to be pathogenic (PMID: 31050087, 34759960). This suggests that this residue is clinically significant, and that variants that disrupt this residue are likely to be disease-causing. In summary, the available evidence is currently insufficient to determine the role of this variant in disease. Therefore, it has been classified as a Variant of Uncertain Significance.

Literature cited by the submitters: PubMed 31050087; PubMed 34759960.

NM_000051.4(ATM):c.7156G>A (p.Ala2386Thr)

Genes: ATM (ATM serine/threonine kinase; plus strand), C11orf65 (chromosome 11 open reading frame 65; minus strand). Cytogenetic location: 11q22.3.
Variant type: single nucleotide variant.
Coding change: c.7156G>A on transcript NM_000051.4 (MANE Select); coding-DNA position 7156, G replaced by A.
Protein change: p.Ala2386Thr; replaces alanine 2386 with threonine.
Molecular consequence: missense variant. On other transcripts: intron variant (2).
Genome position (GRCh38, 1-based): chr11:108,329,087, G>A. VCF-style: chr11-108329087-G-A. GRCh37 (hg19) VCF-style: chr11-108199814-G-A.
Other names: c.7156G>A, p.Ala2386Thr (NM_001351834.2); c.641-20016C>T (NM_001330368.2); c.*38+6133C>T (NM_001351110.2); short protein forms A2386T.
Identifiers: ClinVar variation 2823681 (VCV002823681.2), dbSNP rs876659392, ClinGen allele CA382559526.